The following is an entry in ClinVar:

ClinVar aggregate classification (germline): Pathogenic (1 of 4 stars; one submission).

Conditions:
Hereditary spastic paraplegia 4. Also called: Spastic paraplegia 4, autosomal dominant; Spastic Paraplegia 4; Familial spastic paraplegia autosomal dominant 2. Identifiers: Orphanet 100985, MedGen C1866855, MONDO:0008438, OMIM 182601.

Submission:

Labcorp Genetics (formerly Invitae), Labcorp
Classification: Pathogenic for Hereditary spastic paraplegia 4. Last evaluated: 2024-04-30. Review status: criteria provided, single submitter. Criteria: Invitae Variant Classification Sherloc (09022015). Collection method: clinical testing. Allele origin: germline.
Comment: This sequence change creates a premature translational stop signal (p.Pro34Leufs*20) in the SPAST gene. It is expected to result in an absent or disrupted protein product. Loss-of-function variants in SPAST are known to be pathogenic (PMID: 20932283). This variant is not present in population databases (gnomAD no frequency). This premature translational stop signal has been observed in individual(s) with hereditary spastic paraplegia (PMID: 16682546, 27334366). For these reasons, this variant has been classified as Pathogenic.

Literature cited by the submitters: PubMed 20932283; PubMed 16682546; PubMed 27334366.

NM_014946.4(SPAST):c.80_98dup (p.Pro34fs)

Gene: SPAST (spastin; plus strand). Cytogenetic location: 2p22.3.
Variant type: Duplication.
Coding change: c.80_98dup on transcript NM_014946.4 (MANE Select); coding-DNA positions 80 to 98, 19 bases duplicated (CTTGCCTGGCCCCCGCCCC).
Protein change: p.Pro34fs; shifts the reading frame from proline 34.
Molecular consequence: frameshift variant.
Genome position (GRCh38, 1-based): chr2:32,063,911-32,063,929, CTTGCCTGGCCCCCGCCCC duplicated; duplicating any 19 consecutive bases within chr2:32,063,904-32,063,929 gives the same sequence; the c. name uses the placement nearest the transcript's 3' end. VCF-style (leftmost placement, unchanged base first): chr2-32063903-T-TCCGCCCCCTTGCCTGGCCC. GRCh37 (hg19) VCF-style: chr2-32288972-T-TCCGCCCCCTTGCCTGGCCC.
Other names: c.80_98dup, p.Pro34fs (NM_001363823.2, NM_001363875.2, NM_001377959.1 and 1 more transcripts); short protein forms P34fs.
Identifiers: ClinVar variation 3720308 (VCV003720308.2).